The following is an entry in ClinVar:

ClinVar aggregate classification (germline): Uncertain significance (1 of 4 stars; one submission).

Allele frequency attached by ClinVar (database versions not stated): gnomAD exomes below 0.00001.
gnomAD v4.1: 2 of 1,598,386 alleles (0.00013%); highest among the groups gnomAD compares: Non-Finnish European, 0.00017%; no homozygotes.

Submission:

Ambry Genetics
Classification: Uncertain significance. Last evaluated: 2024-01-17. Review status: criteria provided, single submitter. Criteria: Ambry Variant Classification Scheme 2023. Collection method: clinical testing. Allele origin: germline.
Comment: The p.S1011N variant (also known as c.3032G>A), located in coding exon 16 of the POLQ gene, results from a G to A substitution at nucleotide position 3032. The serine at codon 1011 is replaced by asparagine, an amino acid with highly similar properties. This amino acid position is conserved. In addition, this alteration is predicted to be tolerated by in silico analysis. Based on the available evidence, the clinical significance of this alteration remains unclear.

NM_199420.4(POLQ):c.3032G>A (p.Ser1011Asn)

Gene: POLQ (DNA polymerase theta; minus strand). Cytogenetic location: 3q13.33.
Variant type: single nucleotide variant.
Coding change: c.3032G>A on transcript NM_199420.4 (MANE Select); coding-DNA position 3032, G replaced by A.
Protein change: p.Ser1011Asn; replaces serine 1011 with asparagine.
Molecular consequence: missense variant.
Genome position (GRCh38, 1-based): chr3:121,489,899, C>T on the plus strand (G>A on the coding strand, the complement: POLQ is on the minus strand). VCF-style: chr3-121489899-C-T. GRCh37 (hg19) VCF-style: chr3-121208746-C-T.
Other names: short protein forms S1011N.
Identifiers: ClinVar variation 3229908 (VCV003229908.1), dbSNP rs2546787891, ClinGen allele CA354103350.